The following is an entry in ClinVar:

ClinVar aggregate classification (germline): Likely pathogenic. Review status: criteria provided, multiple submitters, no conflicts (2 of 4 stars). 2 submissions from 2 submitters: Likely pathogenic (2). Last evaluated 2026-06-02.

Conditions:
CYP17A1-related disorder. Also called: CYP17A1-related condition.
Deficiency of steroid 17-alpha-monooxygenase. Also called: 17-ALPHA-HYDROXYLASE DEFICIENCY; ADRENAL HYPERPLASIA V; Congenital adrenal hyperplasia due to 17-alpha-hydroxylase deficiency; Congenital adrenal hyperplasia type 5; 17-alpha-hydroxylase/17,20-lyase deficiency. Identifiers: Orphanet 90793, MedGen C0268285, MONDO:0008730, OMIM 202110.

Submissions (2):

PreventionGenetics, part of Exact Sciences
Classification: Likely pathogenic for CYP17A1-related condition. Last evaluated: 2026-06-02. Review status: criteria provided, single submitter. Criteria: ACMG Guidelines, 2015. Collection method: clinical testing. Allele origin: germline.
Comment: The CYP17A1 c.437-1G>A variant is predicted to disrupt the AG splice acceptor site and interfere with normal splicing. To our knowledge, this variant has not been reported in the literature or in a large population database (gnomAD), indicating this variant is rare. Variants that disrupt the consensus splice acceptor site in CYP17A1 are expected to be pathogenic. This variant is interpreted as likely pathogenic.

Baylor Genetics
Classification: Likely pathogenic for Deficiency of steroid 17-alpha-monooxygenase. Last evaluated: 2023-07-19. Review status: criteria provided, single submitter. Criteria: ACMG Guidelines, 2015. Collection method: clinical testing. Allele origin: unknown.

NM_000102.4(CYP17A1):c.437-1G>A

Gene: CYP17A1 (cytochrome P450 family 17 subfamily A member 1; minus strand). Cytogenetic location: 10q24.32.
Variant type: single nucleotide variant.
Coding change: c.437-1G>A on transcript NM_000102.4 (MANE Select); the canonical splice acceptor site of the intron before coding-DNA position 437, G replaced by A.
Molecular consequence: splice acceptor variant.
Genome position (GRCh38, 1-based): chr10:102,835,015, C>T on the plus strand (G>A on the coding strand, the complement: CYP17A1 is on the minus strand). VCF-style: chr10-102835015-C-T. GRCh37 (hg19) VCF-style: chr10-104594772-C-T.
Other names: c.437-1G>A (NM_000102.3).
Identifiers: ClinVar variation 2681100 (VCV002681100.2), dbSNP rs2493242260, ClinGen allele CA377940234.